The following is an entry in ClinVar:

ClinVar aggregate classification (germline): Likely benign. Review status: criteria provided, multiple submitters, no conflicts (2 of 4 stars). 3 submissions from 3 submitters: Likely benign (2). 1 of the submissions does not count toward it. Last evaluated 2025-12-03.

Conditions:
TG-related disorder. Also called: TG-related condition; TG-related disorders.

Allele frequency attached by ClinVar (database versions not stated): ESP Exome Variant Server 0.00015; gnomAD 0.00022; TOPMed 0.00028; ExAC 0.00031; gnomAD exomes 0.00036.
gnomAD v4.1: 466 of 1,614,036 alleles (0.029%); highest among the groups gnomAD compares: Middle Eastern, 0.38%; 3 homozygotes.

Submissions (3):

Labcorp Genetics (formerly Invitae), Labcorp
Classification: Likely benign. Last evaluated: 2025-12-03. Review status: criteria provided, single submitter. Criteria: Invitae Variant Classification Sherloc (09022015). Collection method: clinical testing. Allele origin: germline.

Breakthrough Genomics
Classification: Likely benign. Review status: criteria provided, single submitter. Criteria: ACMG Guidelines, 2015. Collection method: not provided. Allele origin: germline. Inheritance: Autosomal recessive inheritance. Affected: yes.

PreventionGenetics, part of Exact Sciences
Classification: Likely benign for TG-related condition. Last evaluated: 2024-02-14. Review status: no assertion criteria provided. Collection method: clinical testing. Allele origin: germline. Not counted in ClinVar's aggregate classification.
Comment: This variant is classified as likely benign based on ACMG/AMP sequence variant interpretation guidelines (Richards et al. 2015 PMID: 25741868, with internal and published modifications).

NM_003235.5(TG):c.6885C>T (p.Asn2295=)

Gene: TG (thyroglobulin; plus strand). Cytogenetic location: 8q24.22.
Variant type: single nucleotide variant.
Coding change: c.6885C>T on transcript NM_003235.5 (MANE Select); coding-DNA position 6885, C replaced by T.
Protein change: p.Asn2295=; no amino-acid change (asparagine 2295 retained).
Molecular consequence: synonymous variant.
Genome position (GRCh38, 1-based): chr8:133,021,999, C>T. VCF-style: chr8-133021999-C-T. GRCh37 (hg19) VCF-style: chr8-134034244-C-T.
Identifiers: ClinVar variation 729612 (VCV000729612.9), dbSNP rs149348416, ClinGen allele CA4885069.